The following is an entry in ClinVar:

ClinVar aggregate classification (germline): Uncertain significance (1 of 4 stars; one submission).

gnomAD v4.1: 1 of 1,613,732 alleles (0.000062%); highest among the groups gnomAD compares: Non-Finnish European, 0.000085%; no homozygotes.

Submission:

Labcorp Genetics (formerly Invitae), Labcorp
Classification: Uncertain significance. Last evaluated: 2024-09-27. Review status: criteria provided, single submitter. Criteria: Invitae Variant Classification Sherloc (09022015). Collection method: clinical testing. Allele origin: germline.
Comment: This sequence change replaces valine, which is neutral and non-polar, with methionine, which is neutral and non-polar, at codon 806 of the ADCY5 protein (p.Val806Met). This variant is not present in population databases (gnomAD no frequency). This variant has not been reported in the literature in individuals affected with ADCY5-related conditions. Invitae Evidence Modeling of protein sequence and biophysical properties (such as structural, functional, and spatial information, amino acid conservation, physicochemical variation, residue mobility, and thermodynamic stability) indicates that this missense variant is not expected to disrupt ADCY5 protein function with a negative predictive value of 95%. In summary, the available evidence is currently insufficient to determine the role of this variant in disease. Therefore, it has been classified as a Variant of Uncertain Significance.

NM_183357.3(ADCY5):c.2416G>A (p.Val806Met)

Gene: ADCY5 (adenylate cyclase 5; minus strand). Cytogenetic location: 3q21.1.
Variant type: single nucleotide variant.
Coding change: c.2416G>A on transcript NM_183357.3 (MANE Select); coding-DNA position 2416, G replaced by A.
Protein change: p.Val806Met; replaces valine 806 with methionine.
Molecular consequence: missense variant.
Genome position (GRCh38, 1-based): chr3:123,314,261, C>T on the plus strand (G>A on the coding strand, the complement: ADCY5 is on the minus strand). VCF-style: chr3-123314261-C-T. GRCh37 (hg19) VCF-style: chr3-123033108-C-T.
Other names: c.1366G>A, p.Val456Met (NM_001199642.1); c.2416G>A, p.Val806Met (NM_001378259.1); short protein forms V456M, V806M.
Identifiers: ClinVar variation 3604253 (VCV003604253.2).
Genomic context (GRCh38, chr3:123,314,261, plus strand): 5'-AGGTGGCTGCAACCCAGCTGTCAGCTACACTCACCTTTACGCAGGAGTAGATCACAGACA[C>T]AAACACCACCAAGGTCAGCAGCAGGGAACAGGTCAGGTAGAAGCTGAGCATGAATATGGA-3'
Protein context (NP_899200.1, residues 796-816): CSLLLTLVVF[Val806Met]SVIYSCVKLF